The following is an entry in ClinVar:

ClinVar aggregate classification (germline): Benign/Likely benign. Review status: criteria provided, multiple submitters, no conflicts (2 of 4 stars). 9 submissions from 8 submitters: Benign (8); Likely benign (1). Last evaluated 2026-09-01.

Conditions:
Developmental and epileptic encephalopathy, 28 (DEE28). Also called: Epileptic encephalopathy, early infantile, 28. Identifiers: Orphanet 442835, MedGen C4015519, MONDO:0014533, OMIM 616211.
Autosomal recessive spinocerebellar ataxia 12. Also called: SPINOCEREBELLAR ATAXIA WITH MENTAL RETARDATION AND EPILEPSY. Identifiers: Orphanet 284282, MedGen C3280452, MONDO:0013687, OMIM 614322.
Developmental and epileptic encephalopathy, 1 (DEE1). Also called: X-linked infantile spasms; West's syndrome; Tonic spasms with clustering, arrest of psychomotor development and hypsarrhythmia on EEG; X-Linked Infantile Spasm Syndrome; OHTAHARA SYNDROME, X-LINKED; INFANTILE SPASM SYNDROME, X-LINKED 1. Identifiers: MedGen C3463992, MONDO:0010632, OMIM 308350. Disease mechanism: loss of function.

Allele frequency attached by ClinVar (database versions not stated): 1000 Genomes Project 0.00519; 1000 Genomes Project 30x 0.00547; gnomAD 0.01316; TOPMed 0.01342; ESP Exome Variant Server 0.01563.
gnomAD v4.1: 29,479 of 1,614,074 alleles (1.8%); highest among the groups gnomAD compares: Non-Finnish European, 2.2%; 306 homozygotes.

Submissions (9):

CeGaT Center for Human Genetics Tuebingen
Classification: Benign. Last evaluated: 2026-09-01. Review status: criteria provided, single submitter. Criteria: CeGaT Center For Human Genetics Tuebingen Variant Classification Criteria Version 2. Collection method: clinical testing. Allele origin: germline. Affected: yes. Observed: 161 variant alleles.
Comment: WWOX: BP4, BS1, BS2

Labcorp Genetics (formerly Invitae), Labcorp
Classification: Benign for Developmental and epileptic encephalopathy, 1; Autosomal recessive spinocerebellar ataxia 12. Last evaluated: 2026-02-03. Review status: criteria provided, single submitter. Criteria: Invitae Variant Classification Sherloc (09022015). Collection method: clinical testing. Allele origin: germline.

Blueprint Genetics
Classification: Likely benign. Last evaluated: 2024-11-27. Review status: criteria provided, single submitter. Criteria: ACMG Guidelines, 2015. Collection method: clinical testing. Allele origin: germline.

Athena Diagnostics
Classification: Benign. Last evaluated: 2024-04-23. Review status: criteria provided, single submitter. Criteria: Athena Diagnostics Criteria. Collection method: clinical testing. Allele origin: unknown.

Genome-Nilou Lab
Classification: Benign for Developmental and epileptic encephalopathy, 28. Last evaluated: 2021-12-05. Review status: criteria provided, single submitter. Criteria: ACMG Guidelines, 2015. Collection method: clinical testing. Allele origin: germline. Affected: no.

Genome-Nilou Lab
Classification: Benign for Autosomal recessive spinocerebellar ataxia 12. Last evaluated: 2021-12-05. Review status: criteria provided, single submitter. Criteria: ACMG Guidelines, 2015. Collection method: clinical testing. Allele origin: germline. Affected: no.

Mayo Clinic Laboratories, Mayo Clinic
Classification: Benign. Last evaluated: 2018-12-26. Review status: criteria provided, single submitter. Criteria: ACMG Guidelines, 2015. Collection method: clinical testing. Allele origin: germline. Observed: 16 variant alleles.

GeneDx
Classification: Benign. Last evaluated: 2016-01-14. Review status: criteria provided, single submitter. Criteria: GeneDx Variant Classification (06012015). Collection method: clinical testing. Allele origin: germline. Affected: yes.
Comment: This variant is considered likely benign or benign based on one or more of the following criteria: it is a conservative change, it occurs at a poorly conserved position in the protein, it is predicted to be benign by multiple in silico algorithms, and/or has population frequency not consistent with disease.

Breakthrough Genomics
Classification: Benign. Review status: criteria provided, single submitter. Criteria: ACMG Guidelines, 2015. Collection method: not provided. Allele origin: germline. Inheritance: Autosomal recessive inheritance. Affected: yes.

Literature cited by the submitters: PubMed 30949922 (cited by Athena Diagnostics).

NM_016373.4(WWOX):c.1238C>A (p.Ser413Tyr)

Genes: MAF (MAF bZIP transcription factor; minus strand), WWOX (WW domain containing oxidoreductase; plus strand). Cytogenetic location: 16q23.2.
Variant type: single nucleotide variant.
Coding change: c.1238C>A on transcript NM_016373.4 (MANE Select); coding-DNA position 1238, C replaced by A.
Protein change: p.Ser413Tyr; replaces serine 413 with tyrosine.
Molecular consequence: missense variant.
Genome position (GRCh38, 1-based): chr16:79,211,789, C>A. VCF-style: chr16-79211789-C-A. GRCh37 (hg19) VCF-style: chr16-79245686-C-A.
Other names: p.Ser413Tyr; c.899C>A, p.Ser300Tyr (NM_001291997.2); short protein forms S413Y, S300Y.
Identifiers: ClinVar variation 241099 (VCV000241099.47), dbSNP rs117065412, ClinGen allele CA8183807.